The following is an entry in ClinVar:

NM_015057.5(MYCBP2):c.13597G>T (p.Gly4533Cys)

Gene: MYCBP2 (MYC binding protein 2; minus strand). Cytogenetic location: 13q22.3.
Variant type: single nucleotide variant.
Coding change: c.13597G>T on transcript NM_015057.5 (MANE Select); coding-DNA position 13597, G replaced by T.
Protein change: p.Gly4533Cys; replaces glycine 4533 with cysteine.
Molecular consequence: missense variant.
Genome position (GRCh38, 1-based): chr13:77,055,608, C>A on the plus strand (G>T on the coding strand, the complement: MYCBP2 is on the minus strand). VCF-style: chr13-77055608-C-A. GRCh37 (hg19) VCF-style: chr13-77629743-C-A.
Other names: short protein forms G4533C.
Identifiers: ClinVar variation 3367383 (VCV003367383.1).

ClinVar aggregate classification (germline): Uncertain significance (1 of 4 stars; one submission).

Submission:

GeneDx
Classification: Uncertain significance. Last evaluated: 2024-01-04. Review status: criteria provided, single submitter. Criteria: GeneDx Variant Classification Process June 2021. Collection method: clinical testing. Allele origin: germline. Affected: yes.
Comment: Not observed at significant frequency in large population cohorts (gnomAD); In silico analysis supports that this missense variant has a deleterious effect on protein structure/function; Has not been previously published as pathogenic or benign to our knowledge